The following is an entry in ClinVar:

ClinVar aggregate classification (germline): Benign (1 of 4 stars; one submission).

Allele frequency attached by ClinVar (database versions not stated): gnomAD 0.11372 and 0.11432; TOPMed 0.11963; 1000 Genomes Project 30x 0.15490; 1000 Genomes Project 0.15615.

Submission:

GeneDx
Classification: Benign. Last evaluated: 2018-06-14. Review status: criteria provided, single submitter. Criteria: GeneDx Variant Classification (06012015). Collection method: clinical testing. Allele origin: germline. Affected: yes.
Comment: This variant is considered likely benign or benign based on one or more of the following criteria: it is a conservative change, it occurs at a poorly conserved position in the protein, it is predicted to be benign by multiple in silico algorithms, and/or has population frequency not consistent with disease.

NM_000501.4(ELN):c.197-270T>C

Gene: ELN (elastin; plus strand). Cytogenetic location: 7q11.23.
Variant type: single nucleotide variant.
Coding change: c.197-270T>C on transcript NM_000501.4 (MANE Select); 270 bases into the intron before coding-DNA position 197, T replaced by C.
Molecular consequence: intron variant.
Genome position (GRCh38, 1-based): chr7:74,040,946, T>C. VCF-style: chr7-74040946-T-C. GRCh37 (hg19) VCF-style: chr7-73455276-T-C.
Other names: c.197-270T>C (NM_001081754.3, NM_001081753.3, NM_001278939.2 and 4 more transcripts); c.197-1668T>C (NM_001278913.2); c.167-270T>C (NM_001278914.2, NM_001278917.2, NM_001081752.3 and 1 more transcripts).
Identifiers: ClinVar variation 683507 (VCV000683507.1), dbSNP rs3815251, ClinGen allele CA12615193.